The following is an entry in ClinVar:

ClinVar aggregate classification (germline): Uncertain significance. Review status: criteria provided, single submitter (1 of 4 stars). 2 submissions from 2 submitters: Uncertain significance (1). 1 of the submissions does not count toward it. Last evaluated 2022-11-10.

Conditions:
Charcot-Marie-Tooth disease. Also called: Charcot-Marie-Tooth Neuropathy; Charcot-Marie-Tooth Hereditary Neuropathy. Identifiers: Orphanet 166, MedGen C0007959, MONDO:0015626.
Charcot-Marie-Tooth disease type 2. Also called: Charcot-Marie-Tooth type 2. Identifiers: Orphanet 64746, MedGen C0270914, MONDO:0018993.

Submissions (2):

Labcorp Genetics (formerly Invitae), Labcorp
Classification: Uncertain significance for Charcot-Marie-Tooth disease type 2. Last evaluated: 2022-11-10. Review status: criteria provided, single submitter. Criteria: Invitae Variant Classification Sherloc (09022015). Collection method: clinical testing. Allele origin: germline.
Comment: ClinVar contains an entry for this variant (Variation ID: 637284). This missense change has been observed in individual(s) with MFN2-related conditions (PMID: 23929728). This variant is not present in population databases (gnomAD no frequency). This sequence change replaces glutamic acid, which is acidic and polar, with aspartic acid, which is acidic and polar, at codon 288 of the MFN2 protein (p.Glu288Asp). Advanced modeling of protein sequence and biophysical properties (such as structural, functional, and spatial information, amino acid conservation, physicochemical variation, residue mobility, and thermodynamic stability) performed at Invitae indicates that this missense variant is expected to disrupt MFN2 protein function. In summary, the available evidence is currently insufficient to determine the role of this variant in disease. Therefore, it has been classified as a Variant of Uncertain Significance. This variant disrupts the p.Glu288 amino acid residue in MFN2. Other variant(s) that disrupt this residue have been observed in individuals with MFN2-related conditions (PMID: 33415332), which suggests that this may be a clinically significant amino acid residue.

Inherited Neuropathy Consortium
Classification: Uncertain significance for Charcot-Marie-Tooth disease. Review status: no assertion criteria provided. Collection method: literature only. Allele origin: germline. Affected: yes. Not counted in ClinVar's aggregate classification.

Literature cited by the submitters: PubMed 23929728 (cited by Labcorp Genetics (formerly Invitae), Labcorp and Inherited Neuropathy Consortium); PubMed 33415332 (cited by Labcorp Genetics (formerly Invitae), Labcorp).

NM_014874.4(MFN2):c.864G>C (p.Glu288Asp)

Gene: MFN2 (mitofusin 2; plus strand). Cytogenetic location: 1p36.22.
Variant type: single nucleotide variant.
Coding change: c.864G>C on transcript NM_014874.4 (MANE Select); coding-DNA position 864, G replaced by C.
Protein change: p.Glu288Asp; replaces glutamic acid 288 with aspartic acid.
Molecular consequence: missense variant.
Genome position (GRCh38, 1-based): chr1:12,001,448, G>C. VCF-style: chr1-12001448-G-C. GRCh37 (hg19) VCF-style: chr1-12061505-G-C.
Other names: c.864G>C, p.Glu288Asp (NM_001127660.2); short protein forms E288D.
Identifiers: ClinVar variation 637284 (VCV000637284.4), dbSNP rs1569851796, ClinGen allele CA338441640.